The following is an entry in ClinVar:

NM_170754.4(TNS2):c.2243C>T (p.Pro748Leu)

Gene: TNS2 (tensin 2; plus strand). Cytogenetic location: 12q13.13.
Variant type: single nucleotide variant.
Coding change: c.2243C>T on transcript NM_170754.4 (MANE Select); coding-DNA position 2243, C replaced by T.
Protein change: p.Pro748Leu; replaces proline 748 with leucine.
Molecular consequence: missense variant.
Genome position (GRCh38, 1-based): chr12:53,059,884, C>T. VCF-style: chr12-53059884-C-T. GRCh37 (hg19) VCF-style: chr12-53453668-C-T.
Other names: c.2243C>T, p.Pro748Leu (NM_001416202.1); c.2201C>T, p.Pro734Leu (NM_001416203.1); c.2270C>T, p.Pro757Leu (NM_001416204.1); c.2174C>T, p.Pro725Leu (NM_015319.3); c.1871C>T, p.Pro624Leu (NM_198316.2); short protein forms P748L, P624L, P758L, P725L, P734L, P757L.
Identifiers: ClinVar variation 2057911 (VCV002057911.6), dbSNP rs147613740, ClinGen allele CA6592560.

ClinVar aggregate classification (germline): Likely benign. Review status: criteria provided, single submitter (1 of 4 stars). 2 submissions from 2 submitters: Likely benign (1). 1 of the submissions does not count toward it. Last evaluated 2026-01-12.

Conditions:
TNS2-related disorder. Also called: TNS2-related condition.

Allele frequency attached by ClinVar (database versions not stated): TOPMed 0.00030; ESP Exome Variant Server 0.00031; gnomAD 0.00064; 1000 Genomes Project 30x 0.00203; 1000 Genomes Project 0.00220.
gnomAD v4.1: 1,095 of 1,612,990 alleles (0.068%); highest among the groups gnomAD compares: South Asian, 0.52%; 3 homozygotes.

Submissions (2):

Labcorp Genetics (formerly Invitae), Labcorp
Classification: Likely benign. Last evaluated: 2026-01-12. Review status: criteria provided, single submitter. Criteria: Invitae Variant Classification Sherloc (09022015). Collection method: clinical testing. Allele origin: germline.

PreventionGenetics, part of Exact Sciences
Classification: Likely benign for TNS2-related condition. Last evaluated: 2021-01-11. Review status: no assertion criteria provided. Collection method: clinical testing. Allele origin: germline. Not counted in ClinVar's aggregate classification.
Comment: This variant is classified as likely benign based on ACMG/AMP sequence variant interpretation guidelines (Richards et al. 2015 PMID: 25741868, with internal and published modifications).